The following is an entry in ClinVar:

ClinVar aggregate classification (germline): Benign/Likely benign. Review status: criteria provided, multiple submitters, no conflicts (2 of 4 stars). 4 submissions from 4 submitters: Benign (1); Likely benign (3). Last evaluated 2026-02-01.

Conditions:
Primary ciliary dyskinesia. Also called: Ciliary dyskinesia. Identifiers: Orphanet 244, MedGen C0008780, MONDO:0016575, HP:0012265.

Allele frequency attached by ClinVar (database versions not stated): gnomAD exomes 0.00034 and 0.00090; ExAC 0.00112; ESP Exome Variant Server 0.00271; 1000 Genomes Project 0.00339; 1000 Genomes Project 30x 0.00344; gnomAD 0.00375 and 0.00399; TOPMed 0.00407.
gnomAD v4.1: 1,107 of 1,607,266 alleles (0.069%); highest among the groups gnomAD compares: African/African-American, 1.3%; 7 homozygotes.

Submissions (4):

Labcorp Genetics (formerly Invitae), Labcorp
Classification: Benign for Primary ciliary dyskinesia. Last evaluated: 2026-02-01. Review status: criteria provided, single submitter. Criteria: Invitae Variant Classification Sherloc (09022015). Collection method: clinical testing. Allele origin: germline.

Blueprint Genetics
Classification: Likely benign. Last evaluated: 2024-10-15. Review status: criteria provided, single submitter. Criteria: ACMG Guidelines, 2015. Collection method: clinical testing. Allele origin: germline.

Laboratory for Molecular Medicine, Mass General Brigham Personalized Medicine
Classification: Likely benign. Last evaluated: 2016-01-14. Review status: criteria provided, single submitter. Criteria: LMM Criteria. Collection method: clinical testing. Allele origin: germline. Observed: 1 variant allele.
Comment: c.13050-15C>T in intron 79 of DNAH11: This variant is not expected to have clini cal significance because it has been identified in 1.2% (123/9800) of African ch romosomes, including 1 homozygote, by the Exome Aggregation Consortium (ExAC; dbSNP rs149634292).

PreventionGenetics, part of Exact Sciences
Classification: Likely benign. Review status: criteria provided, single submitter. Criteria: ACMG Guidelines, 2015. Collection method: clinical testing. Allele origin: germline.

NM_001277115.2(DNAH11):c.13050-15C>T

Genes: DNAH11 (dynein axonemal heavy chain 11; plus strand), LOC126859962 (BRD4-independent group 4 enhancer GRCh37_chr7:21937780-21938979; plus strand). Cytogenetic location: 7p15.3.
Variant type: single nucleotide variant.
Coding change: c.13050-15C>T on transcript NM_001277115.2 (MANE Select); 15 bases into the intron before coding-DNA position 13050, C replaced by T.
Molecular consequence: intron variant.
Genome position (GRCh38, 1-based): chr7:21,899,321, C>T. VCF-style: chr7-21899321-C-T. GRCh37 (hg19) VCF-style: chr7-21938939-C-T.
Identifiers: ClinVar variation 227320 (VCV000227320.27), dbSNP rs149634292, ClinGen allele CA4183273.